The following is an entry in ClinVar:

NM_001377540.1(SLMAP):c.1910G>A (p.Arg637Gln)

Gene: SLMAP (sarcolemma associated protein; plus strand). Cytogenetic location: 3p14.3.
Variant type: single nucleotide variant.
Coding change: c.1910G>A on transcript NM_001377540.1 (MANE Select); coding-DNA position 1910, G replaced by A.
Protein change: p.Arg637Gln; replaces arginine 637 with glutamine.
Molecular consequence: missense variant. On other transcripts: non-coding transcript variant (1).
Genome position (GRCh38, 1-based): chr3:57,912,591, G>A. VCF-style: chr3-57912591-G-A. GRCh37 (hg19) VCF-style: chr3-57898318-G-A.
Other names: c.1736G>A, p.Arg579Gln (NM_001377562.1, NM_001377921.1); c.1724G>A, p.Arg575Gln (NM_001377922.1); c.1685G>A, p.Arg562Gln (NM_001377923.1); c.1673G>A, p.Arg558Gln (NM_001377924.1); c.1622G>A, p.Arg541Gln (NM_001377925.1); c.338G>A, p.Arg113Gln (NM_001377926.1, NM_001377927.1, NM_001377928.1 and 1 more transcripts); c.1808G>A, p.Arg603Gln (NM_007159.5, NM_001377549.1); c.1808G>A (NM_007159.2); and 9 more; short protein forms R154Q, R541Q, R575Q, R582Q, R113Q, R562Q, R596Q, R88Q.
Identifiers: ClinVar variation 2182784 (VCV002182784.5), dbSNP rs1359077850, ClinGen allele CA353408664.

ClinVar aggregate classification (germline): Uncertain significance. Review status: criteria provided, multiple submitters, no conflicts (2 of 4 stars). 2 submissions from 2 submitters: Uncertain significance (2). Last evaluated 2024-05-31.

Conditions:
Brugada syndrome. Also called: Sudden unexplained nocturnal death syndrome; Sudden unexpected nocturnal death syndrome; Sudden Unexplained Death Syndrome; Sudden Unexplained Nocturnal Death Syndrome (SUNDS). Identifiers: Orphanet 130, MedGen C1142166, MONDO:0015263.

Allele frequency attached by ClinVar (database versions not stated): gnomAD 0.00001; gnomAD exomes 0.00001; TOPMed 0.00001.
gnomAD v4.1: 14 of 1,614,044 alleles (0.00087%); highest among the groups gnomAD compares: Admixed American, 0.0017%; no homozygotes.

Submissions (2):

Labcorp Genetics (formerly Invitae), Labcorp
Classification: Uncertain significance for Brugada syndrome. Last evaluated: 2024-05-31. Review status: criteria provided, single submitter. Criteria: Invitae Variant Classification Sherloc (09022015). Collection method: clinical testing. Allele origin: germline.
Comment: This sequence change replaces arginine, which is basic and polar, with glutamine, which is neutral and polar, at codon 603 of the SLMAP protein (p.Arg603Gln). This variant is present in population databases (no rsID available, gnomAD 0.002%). This variant has not been reported in the literature in individuals affected with SLMAP-related conditions. ClinVar contains an entry for this variant (Variation ID: 2182784). An algorithm developed to predict the effect of missense changes on protein structure and function (PolyPhen-2) suggests that this variant is likely to be disruptive. In summary, the available evidence is currently insufficient to determine the role of this variant in disease. Therefore, it has been classified as a Variant of Uncertain Significance.

Ambry Genetics
Classification: Uncertain significance. Last evaluated: 2024-03-09. Review status: criteria provided, single submitter. Criteria: Ambry Variant Classification Scheme 2023. Collection method: clinical testing. Allele origin: germline.
Comment: The p.R603Q variant (also known as c.1808G>A), located in coding exon 17 of the SLMAP gene, results from a G to A substitution at nucleotide position 1808. The arginine at codon 603 is replaced by glutamine, an amino acid with highly similar properties. This amino acid position is conserved. In addition, the in silico prediction for this alteration is inconclusive. Based on the available evidence, the clinical significance of this alteration remains unclear.